The following is an entry in ClinVar:

ClinVar aggregate classification (germline): Uncertain significance (1 of 4 stars; one submission).

Conditions:
Cardiovascular phenotype. Identifiers: MedGen CN230736.

Submission:

Ambry Genetics
Classification: Uncertain significance for Cardiovascular phenotype. Last evaluated: 2022-04-21. Review status: criteria provided, single submitter. Criteria: Ambry Variant Classification Scheme 2023. Collection method: clinical testing. Allele origin: germline.
Comment: The p.F1264S variant (also known as c.3791T>C), located in coding exon 21 of the SCN10A gene, results from a T to C substitution at nucleotide position 3791. The phenylalanine at codon 1264 is replaced by serine, an amino acid with highly dissimilar properties. This amino acid position is conserved. In addition, this alteration is predicted to be deleterious by in silico analysis. Since supporting evidence is limited at this time, the clinical significance of this alteration remains unclear.

NM_006514.4(SCN10A):c.3791T>C (p.Phe1264Ser)

Gene: SCN10A (sodium voltage-gated channel alpha subunit 10; minus strand). Cytogenetic location: 3p22.2.
Variant type: single nucleotide variant.
Coding change: c.3791T>C on transcript NM_006514.4 (MANE Select); coding-DNA position 3791, T replaced by C.
Protein change: p.Phe1264Ser; replaces phenylalanine 1264 with serine.
Molecular consequence: missense variant.
Genome position (GRCh38, 1-based): chr3:38,713,971, A>G on the plus strand (T>C on the coding strand, the complement: SCN10A is on the minus strand). VCF-style: chr3-38713971-A-G. GRCh37 (hg19) VCF-style: chr3-38755462-A-G.
Other names: c.3788T>C, p.Phe1263Ser (NM_001293306.2); c.3497T>C, p.Phe1166Ser (NM_001293307.2); short protein forms F1263S, F1264S, F1166S.
Identifiers: ClinVar variation 1734960 (VCV001734960.2), dbSNP rs2470609925, ClinGen allele CA352151472.